The following is an entry in ClinVar:

ClinVar aggregate classification (germline): Uncertain significance (1 of 4 stars; one submission).

Conditions:
Myopathy, proximal, and ophthalmoplegia (CMYO6). Also called: CONGENITAL MYOPATHY 6 WITH OPHTHALMOPLEGIA; MYOPATHY WITH CONGENITAL JOINT CONTRACTURES, OPHTHALMOPLEGIA, AND RIMMED VACUOLES; INCLUSION BODY MYOPATHY 3, AUTOSOMAL DOMINANT. Identifiers: Orphanet 363677, Orphanet 79091, MedGen C1854106, MONDO:0011577, OMIM 605637.

Allele frequency attached by ClinVar (database versions not stated): gnomAD exomes below 0.00001; TOPMed 0.00001.
gnomAD v4.1: 1 of 1,614,118 alleles (0.000062%); highest among the groups gnomAD compares: Admixed American, 0.0017%; no homozygotes.

Submission:

Labcorp Genetics (formerly Invitae), Labcorp
Classification: Uncertain significance for Myopathy, proximal, and ophthalmoplegia. Last evaluated: 2024-06-25. Review status: criteria provided, single submitter. Criteria: Invitae Variant Classification Sherloc (09022015). Collection method: clinical testing. Allele origin: germline.
Comment: This sequence change replaces arginine, which is basic and polar, with lysine, which is basic and polar, at codon 1323 of the MYH2 protein (p.Arg1323Lys). This variant is present in population databases (no rsID available, gnomAD 0.003%). This variant has not been reported in the literature in individuals affected with MYH2-related conditions. ClinVar contains an entry for this variant (Variation ID: 2169874). Advanced modeling of protein sequence and biophysical properties (such as structural, functional, and spatial information, amino acid conservation, physicochemical variation, residue mobility, and thermodynamic stability) has been performed at Invitae for this missense variant, however the output from this modeling did not meet the statistical confidence thresholds required to predict the impact of this variant on MYH2 protein function. In summary, the available evidence is currently insufficient to determine the role of this variant in disease. Therefore, it has been classified as a Variant of Uncertain Significance.

NM_017534.6(MYH2):c.3968G>A (p.Arg1323Lys)

Genes: MYHAS (myosin heavy chain gene cluster antisense RNA; plus strand), MYH2 (myosin heavy chain 2; minus strand). Cytogenetic location: 17p13.1.
Variant type: single nucleotide variant.
Coding change: c.3968G>A on transcript NM_017534.6 (MANE Select); coding-DNA position 3968, G replaced by A.
Protein change: p.Arg1323Lys; replaces arginine 1323 with lysine.
Molecular consequence: missense variant.
Genome position (GRCh38, 1-based): chr17:10,526,960, C>T on the plus strand (G>A on the coding strand, the complement: MYH2 is on the minus strand). VCF-style: chr17-10526960-C-T. GRCh37 (hg19) VCF-style: chr17-10430277-C-T.
Other names: c.3968G>A, p.Arg1323Lys (NM_001100112.2); short protein forms R1323K.
Identifiers: ClinVar variation 2169874 (VCV002169874.4), dbSNP rs1037855981, ClinGen allele CA287737789.
Genomic context (GRCh38, chr17:10,526,960, plus strand): 5'-CTCATGAGGGAAAAAATCAGTCTTAGAATCATAATTACTTTTATCTCCTCTTCAAGTTGC[C>T]TCTTTAATTCTTCAATCTGTTGAGTAAAGGCTTGTTTGCCTCTTGATAACTGAGACACCA-3'
Protein context (NP_060004.3, residues 1313-1333): AFTQQIEELK[Arg1323Lys]QLEEEIKAKN